The following is an entry in ClinVar:

ClinVar aggregate classification (germline): Uncertain significance. Review status: criteria provided, multiple submitters, no conflicts (2 of 4 stars). 6 submissions from 6 submitters: Uncertain significance (5). 1 of the submissions does not count toward it. Last evaluated 2025-11-09.

Conditions:
Familial cancer of breast. Also called: Hereditary breast cancer; hereditary breast carcinoma; BREAST CANCER, FAMILIAL. Identifiers: Orphanet 227535, MedGen C0346153, MONDO:0016419, OMIM 114480. Disease mechanism: loss of function.
Ataxia-telangiectasia syndrome (AT). Also called: Cerebello-oculocutaneous telangiectasia; Immunodeficiency with ataxia telangiectasia; Ataxia-telangiectasia, complementation group D; AT, COMPLEMENTATION GROUP C; ATAXIA-TELANGIECTASIA, FRESNO VARIANT; ATAXIA-TELANGIECTASIA, COMPLEMENTATION GROUP A. Identifiers: Orphanet 100, MedGen C0004135, MONDO:0008840, OMIM 208900.
Hereditary cancer-predisposing syndrome. Also called: Neoplastic Syndromes, Hereditary; Hereditary Cancer Syndrome; Hereditary neoplastic syndrome; Tumor predisposition. Identifiers: Orphanet 140162, MedGen C0027672, MeSH D009386, MONDO:0015356.

Allele frequency attached by ClinVar (database versions not stated): gnomAD exomes below 0.00001.

Submissions (6):

Labcorp Genetics (formerly Invitae), Labcorp
Classification: Uncertain significance for Ataxia-telangiectasia syndrome. Last evaluated: 2025-11-09. Review status: criteria provided, single submitter. Criteria: Invitae Variant Classification Sherloc (09022015). Collection method: clinical testing. Allele origin: germline.
Comment: This sequence change replaces arginine, which is basic and polar, with lysine, which is basic and polar, at codon 270 of the ATM protein (p.Arg270Lys). This variant is present in population databases (rs587781857, gnomAD 0.0009%). This variant has not been reported in the literature in individuals affected with ATM-related conditions. ClinVar contains an entry for this variant (Variation ID: 141582). Invitae Evidence Modeling of protein sequence and biophysical properties (such as structural, functional, and spatial information, amino acid conservation, physicochemical variation, residue mobility, and thermodynamic stability) indicates that this missense variant is not expected to disrupt ATM protein function with a negative predictive value of 95%. In summary, the available evidence is currently insufficient to determine the role of this variant in disease. Therefore, it has been classified as a Variant of Uncertain Significance.

Ambry Genetics
Classification: Uncertain significance for Hereditary cancer-predisposing syndrome. Last evaluated: 2024-09-05. Review status: criteria provided, single submitter. Criteria: Ambry Variant Classification Scheme 2023. Collection method: clinical testing. Allele origin: germline.
Comment: The p.R270K variant (also known as c.809G>A), located in coding exon 6 of the ATM gene, results from a G to A substitution at nucleotide position 809. The arginine at codon 270 is replaced by lysine, an amino acid with highly similar properties. This amino acid position is well conserved in available vertebrate species. In addition, this alteration is predicted to be tolerated by in silico analysis. Based on the available evidence, the clinical significance of this variant remains unclear.

Sema4
Classification: Uncertain significance for Hereditary cancer-predisposing syndrome. Last evaluated: 2022-02-12. Review status: criteria provided, single submitter. Criteria: Sema4 Curation Guidelines. Collection method: curation. Allele origin: germline.
Comment: The ATM c.809G>A (p.R270K) variant has been reported by the large case-control study in 2/60466 breast cancer cases and 1/53461 controls (PMID: 33471991). It was observed in 1/113502 chromosomes of the Non-Finnish European (NFE) subpopulation in the large and broad cohorts of the Genome Aggregation Database (PMID: 32461654). This variant has been reported in ClinVar (Variation ID 141582). Functional studies have not been performed, and in silico predictions of the variant's effect on protein function are inconclusive. The evidence is insufficient to meet ACMG/AMP criteria for classifying the variant as benign or pathogenic. Thus, the clinical significance of this variant is currently uncertain.

GeneDx
Classification: Uncertain significance. Last evaluated: 2020-02-18. Review status: criteria provided, single submitter. Criteria: GeneDx Variant Classification Process June 2021. Collection method: clinical testing. Allele origin: germline. Affected: yes.
Comment: Not observed at a significant frequency in large population cohorts (Lek et al., 2016); In silico analysis supports that this missense variant does not alter protein structure/function; Has not been previously published as pathogenic or benign to our knowledge; This variant is associated with the following publications: (PMID: 7836845, 23360865)

Color Diagnostics, LLC DBA Color Health
Classification: Uncertain significance for Hereditary cancer-predisposing syndrome. Last evaluated: 2019-05-15. Review status: criteria provided, single submitter. Criteria: ACMG Guidelines, 2015. Collection method: clinical testing. Allele origin: germline.

Natera, Inc.
Classification: Uncertain significance for Ataxia-telangiectasia. Last evaluated: 2021-08-31. Review status: no assertion criteria provided. Collection method: clinical testing. Allele origin: germline. Not counted in ClinVar's aggregate classification.

Literature cited by the submitters: PubMed 33471991 (cited by Sema4).

NM_000051.4(ATM):c.809G>A (p.Arg270Lys)

Gene: ATM (ATM serine/threonine kinase; plus strand). Cytogenetic location: 11q22.3.
Variant type: single nucleotide variant.
Coding change: c.809G>A on transcript NM_000051.4 (MANE Select); coding-DNA position 809, G replaced by A.
Protein change: p.Arg270Lys; replaces arginine 270 with lysine.
Molecular consequence: missense variant.
Genome position (GRCh38, 1-based): chr11:108,244,934, G>A. VCF-style: chr11-108244934-G-A. GRCh37 (hg19) VCF-style: chr11-108115661-G-A.
Other names: c.809G>A, p.Arg270Lys (NM_001351834.2); short protein forms R270K.
Identifiers: ClinVar variation 141582 (VCV000141582.30), dbSNP rs587781857, ClinGen allele CA165849.